The following is an entry in ClinVar:

ClinVar aggregate classification (germline): Likely benign (0 of 4 stars; one submission).

Conditions:
RASA1-related disorder. Also called: RASA1-related condition.

Allele frequency attached by ClinVar (database versions not stated): gnomAD exomes below 0.00001; ExAC 0.00001.
gnomAD v4.1: 2 of 1,614,130 alleles (0.00012%); highest among the groups gnomAD compares: East Asian, 0.0045%; no homozygotes.

Submission:

PreventionGenetics, part of Exact Sciences
Classification: Likely benign for RASA1-related condition. Last evaluated: 2021-07-12. Review status: no assertion criteria provided. Collection method: clinical testing. Allele origin: germline.
Comment: This variant is classified as likely benign based on ACMG/AMP sequence variant interpretation guidelines (Richards et al. 2015 PMID: 25741868, with internal and published modifications).

NM_002890.3(RASA1):c.2970C>T (p.Asp990=)

Genes: CCNH (cyclin H; minus strand), RASA1 (RAS p21 protein activator 1; plus strand). Cytogenetic location: 5q14.3.
Variant type: single nucleotide variant.
Coding change: c.2970C>T on transcript NM_002890.3 (MANE Select); coding-DNA position 2970, C replaced by T.
Protein change: p.Asp990=; no amino-acid change (aspartic acid 990 retained).
Molecular consequence: synonymous variant. On other transcripts: intron variant (1).
Genome position (GRCh38, 1-based): chr5:87,389,437, C>T. VCF-style: chr5-87389437-C-T. GRCh37 (hg19) VCF-style: chr5-86685254-C-T.
Other names: c.2439C>T, p.Asp813= (NM_022650.3); c.933+5607G>A (NM_001364075.2).
Identifiers: ClinVar variation 3057153 (VCV003057153.2), dbSNP rs762817723, ClinGen allele CA3336182.